The following is an entry in ClinVar:

NM_014915.3(ANKRD26):c.331A>G (p.Asn111Asp)

Gene: ANKRD26 (ankyrin repeat domain 26; minus strand). Cytogenetic location: 10p12.1.
Variant type: single nucleotide variant.
Coding change: c.331A>G on transcript NM_014915.3 (MANE Select); coding-DNA position 331, A replaced by G.
Protein change: p.Asn111Asp; replaces asparagine 111 with aspartic acid.
Molecular consequence: missense variant.
Genome position (GRCh38, 1-based): chr10:27,093,711, T>C on the plus strand (A>G on the coding strand, the complement: ANKRD26 is on the minus strand). VCF-style: chr10-27093711-T-C. GRCh37 (hg19) VCF-style: chr10-27382640-T-C.
Other names: c.331A>G, p.Asn111Asp (NM_001256053.2); short protein forms N111D.
Identifiers: ClinVar variation 3729279 (VCV003729279.2).

ClinVar aggregate classification (germline): Uncertain significance (1 of 4 stars; one submission).

gnomAD v4.1: 1 of 1,614,210 alleles (0.000062%); highest among the groups gnomAD compares: East Asian, 0.0022%; no homozygotes.

Submission:

Labcorp Genetics (formerly Invitae), Labcorp
Classification: Uncertain significance. Last evaluated: 2025-01-21. Review status: criteria provided, single submitter. Criteria: Invitae Variant Classification Sherloc (09022015). Collection method: clinical testing. Allele origin: germline.
Comment: This sequence change replaces asparagine, which is neutral and polar, with aspartic acid, which is acidic and polar, at codon 111 of the ANKRD26 protein (p.Asn111Asp). This variant is not present in population databases (gnomAD no frequency). This variant has not been reported in the literature in individuals affected with ANKRD26-related conditions. An algorithm developed to predict the effect of missense changes on protein structure and function (PolyPhen-2) suggests that this variant is likely to be tolerated. In summary, the available evidence is currently insufficient to determine the role of this variant in disease. Therefore, it has been classified as a Variant of Uncertain Significance.